The following is an entry in ClinVar:

ClinVar aggregate classification (germline): Benign/Likely benign. Review status: criteria provided, multiple submitters, no conflicts (2 of 4 stars). 6 submissions from 6 submitters: Benign (3); Likely benign (2). 1 of the submissions does not count toward it. Last evaluated 2026-02-04.

Conditions:
Hermansky-Pudlak syndrome (HPS). Also called: ALBINISM WITH HEMORRHAGIC DIATHESIS AND PIGMENTED RETICULOENDOTHELIAL CELLS. Identifiers: Orphanet 79430, MedGen C0079504, MONDO:0019312.
Hermansky-Pudlak syndrome 1 (HPS1). Also called: DELTA STORAGE POOL DISEASE. Identifiers: Orphanet 231500, Orphanet 79430, MedGen C2931875, MONDO:0008748, OMIM 203300.

Allele frequency attached by ClinVar (database versions not stated): gnomAD 0.00125 and 0.00194; ESP Exome Variant Server 0.00131; TOPMed 0.00144; gnomAD exomes 0.00269 and 0.00458; 1000 Genomes Project 30x 0.00484; ExAC 0.00497; 1000 Genomes Project 0.00599.
gnomAD v4.1: 4,296 of 1,613,940 alleles (0.27%); highest among the groups gnomAD compares: South Asian, 2.7%; 74 homozygotes.

Submissions (13):

Labcorp Genetics (formerly Invitae), Labcorp
Classification: Benign. Last evaluated: 2026-02-04. Review status: criteria provided, single submitter. Criteria: Invitae Variant Classification Sherloc (09022015). Collection method: clinical testing. Allele origin: germline.

Mayo Clinic Laboratories, Mayo Clinic
Classification: Benign. Last evaluated: 2025-05-14. Review status: criteria provided, single submitter. Criteria: ACMG Guidelines, 2015. Collection method: clinical testing. Allele origin: germline. Observed: 4 variant alleles.
Comment: BS1, BS2

Illumina Laboratory Services, Illumina
Classification: Benign for Hermansky-Pudlak syndrome 1. Last evaluated: 2018-01-13. Review status: criteria provided, single submitter. Criteria: ICSL Variant Classification Criteria 13 December 2019. Collection method: clinical testing. Allele origin: germline.
Comment: This variant was observed in the ICSL laboratory as part of a predisposition screen in an ostensibly healthy population. It had not been previously curated by ICSL or reported in the Human Gene Mutation Database (HGMD: prior to June 1st, 2018), and was therefore a candidate for classification through an automated scoring system. Utilizing variant allele frequency, disease prevalence and penetrance estimates, and inheritance mode, an automated score was calculated to assess if this variant is too frequent to cause the disease. Based on the score and internal cut-off values, a variant classified as benign is not then subjected to further curation. The score for this variant resulted in a classification of benign for this disease.

Genetic Services Laboratory, University of Chicago
Classification: Likely benign. Last evaluated: 2015-05-13. Review status: criteria provided, single submitter. Criteria: ACMG Guidelines, 2015. Collection method: clinical testing. Allele origin: germline.

Breakthrough Genomics
Classification: Likely benign. Review status: criteria provided, single submitter. Criteria: ACMG Guidelines, 2015. Collection method: not provided. Allele origin: germline. Inheritance: Autosomal recessive inheritance. Affected: yes.

Natera, Inc.
Classification: Benign for Hermansky-Pudlak syndrome. Last evaluated: 2020-09-16. Review status: no assertion criteria provided. Collection method: clinical testing. Allele origin: germline. Not counted in ClinVar's aggregate classification.

Dr. Peter K. Rogan Lab, Western University
No classification provided (evidence only). Condition: Familial cancer of breast. Review status: no classification provided. Collection method: in vitro. Allele origin: not applicable. Functional consequence: skipped exon. Not counted in ClinVar's aggregate classification.

Dr. Peter K. Rogan Lab, Western University
No classification provided (evidence only). Condition: Thyroid cancer, nonmedullary, 1. Review status: no classification provided. Collection method: in vitro. Allele origin: not applicable. Functional consequence: retained intron. Not counted in ClinVar's aggregate classification.

Dr. Peter K. Rogan Lab, Western University
No classification provided (evidence only). Condition: Cervical cancer. Review status: no classification provided. Collection method: in vitro. Allele origin: not applicable. Functional consequence: retained intron. Not counted in ClinVar's aggregate classification.

Dr. Peter K. Rogan Lab, Western University
No classification provided (evidence only). Condition: Hepatocellular carcinoma. Review status: no classification provided. Collection method: in vitro. Allele origin: not applicable. Functional consequence: retained intron. Not counted in ClinVar's aggregate classification.

Dr. Peter K. Rogan Lab, Western University
No classification provided (evidence only). Condition: Thymoma. Review status: no classification provided. Collection method: in vitro. Allele origin: not applicable. Functional consequence: retained intron. Not counted in ClinVar's aggregate classification.

Dr. Peter K. Rogan Lab, Western University
No classification provided (evidence only). Condition: Ovarian serous cystadenocarcinoma. Review status: no classification provided. Collection method: in vitro. Allele origin: not applicable. Functional consequence: skipped exon, retained intron. Not counted in ClinVar's aggregate classification.

Dr. Peter K. Rogan Lab, Western University
No classification provided (evidence only). Condition: Lung cancer. Review status: no classification provided. Collection method: in vitro. Allele origin: not applicable. Functional consequence: skipped exon, retained intron. Not counted in ClinVar's aggregate classification.

NM_000195.5(HPS1):c.557C>T (p.Ala186Val)

Gene: HPS1 (HPS1 biogenesis of lysosomal organelles complex 3 subunit 1; minus strand). Cytogenetic location: 10q24.2.
Variant type: single nucleotide variant.
Coding change: c.557C>T on transcript NM_000195.5 (MANE Select); coding-DNA position 557, C replaced by T.
Protein change: p.Ala186Val; replaces alanine 186 with valine.
Molecular consequence: missense variant. On other transcripts: 5 prime UTR variant (3), intron variant (5).
Genome position (GRCh38, 1-based): chr10:98,431,242, G>A on the plus strand (C>T on the coding strand, the complement: HPS1 is on the minus strand). VCF-style: chr10-98431242-G-A. GRCh37 (hg19) VCF-style: chr10-100190999-G-A.
Other names: c.-317C>T (NM_001311345.2, NM_001322489.2); c.557C>T, p.Ala186Val (NM_001322476.2, NM_001322477.2, NM_001322478.2 and 3 more transcripts); c.188C>T, p.Ala63Val (NM_001322483.2, NM_001322484.2, NM_001322485.2); c.-416C>T (NM_001322487.2); c.408-572C>T (NM_001322480.2, NM_001322482.2, NM_001322481.2); c.551-572C>T (NM_001322492.2, NM_001322490.2); short protein forms A186V, A63V.
Identifiers: ClinVar variation 211150 (VCV000211150.23), dbSNP rs1801286, ClinGen allele CA206828.
Genomic context (GRCh38, chr10:98,431,242, plus strand): 5'-GCCTCCTCGCCTCCCCGCTCGGGGCTGGTGTTGACAGCCTGGATGACGTGCCGCTCCAGC[G>A]CCTCTATGCACAGCTCACAGAGCTGGGGGTGAATCAGTCGCTCCAGGGCCTAGCCAGGGC-3'
Protein context (NP_000186.2, residues 176-196): HPQLCELCIE[Ala186Val]LERHVIQAVN